The following is an entry in ClinVar:

NM_033310.3(KCNK4):c.55T>C (p.Ser19Pro)

Genes: KCNK4 (potassium two pore domain channel subfamily K member 4; plus strand), KCNK4-CATSPERZ (KCNK4-CATSPERZ readthrough (NMD candidate); plus strand). Cytogenetic location: 11q13.1.
Variant type: single nucleotide variant.
Coding change: c.55T>C on transcript NM_033310.3 (MANE Select); coding-DNA position 55, T replaced by C.
Protein change: p.Ser19Pro; replaces serine 19 with proline.
Molecular consequence: missense variant. On other transcripts: non-coding transcript variant (2).
Genome position (GRCh38, 1-based): chr11:64,293,073, T>C. VCF-style: chr11-64293073-T-C. GRCh37 (hg19) VCF-style: chr11-64060545-T-C.
Other names: c.55T>C, p.Ser19Pro (NM_001317090.2, NM_033311.1); short protein forms S19P.
Identifiers: ClinVar variation 2046605 (VCV002046605.4), dbSNP rs1284935705, ClinGen allele CA381158200.

ClinVar aggregate classification (germline): Uncertain significance (1 of 4 stars; one submission).

Submission:

Labcorp Genetics (formerly Invitae), Labcorp
Classification: Uncertain significance. Last evaluated: 2022-09-07. Review status: criteria provided, single submitter. Criteria: Invitae Variant Classification Sherloc (09022015). Collection method: clinical testing. Allele origin: germline.
Comment: This sequence change replaces serine, which is neutral and polar, with proline, which is neutral and non-polar, at codon 19 of the KCNK4 protein (p.Ser19Pro). This variant is not present in population databases (gnomAD no frequency). This variant has not been reported in the literature in individuals affected with KCNK4-related conditions. Algorithms developed to predict the effect of missense changes on protein structure and function are either unavailable or do not agree on the potential impact of this missense change (SIFT: "Not Available"; PolyPhen-2: "Benign"; Align-GVGD: "Not Available"). In summary, the available evidence is currently insufficient to determine the role of this variant in disease. Therefore, it has been classified as a Variant of Uncertain Significance.